The following is an entry in ClinVar:

NM_000135.4(FANCA):c.3650C>T (p.Ser1217Phe)

Gene: FANCA (FA complementation group A; minus strand). Cytogenetic location: 16q24.3.
Variant type: single nucleotide variant.
Coding change: c.3650C>T on transcript NM_000135.4 (MANE Select); coding-DNA position 3650, C replaced by T.
Protein change: p.Ser1217Phe; replaces serine 1217 with phenylalanine.
Molecular consequence: missense variant.
Genome position (GRCh38, 1-based): chr16:89,742,915, G>A on the plus strand (C>T on the coding strand, the complement: FANCA is on the minus strand). VCF-style: chr16-89742915-G-A. GRCh37 (hg19) VCF-style: chr16-89809323-G-A.
Other names: c.3650C>T, p.Ser1217Phe (NM_001286167.3); short protein forms S1217F.
Identifiers: ClinVar variation 4022158 (VCV004022158.1).

ClinVar aggregate classification (germline): Uncertain significance (1 of 4 stars; one submission).

Conditions:
Inborn genetic diseases. Identifiers: MedGen C0950123, MeSH D030342.

Submission:

Ambry Genetics
Classification: Uncertain significance for Inborn genetic diseases. Last evaluated: 2025-04-05. Review status: criteria provided, single submitter. Criteria: Ambry Variant Classification Scheme 2023. Collection method: clinical testing. Allele origin: germline.
Comment: The p.S1217F variant (also known as c.3650C>T), located in coding exon 37 of the FANCA gene, results from a C to T substitution at nucleotide position 3650. The serine at codon 1217 is replaced by phenylalanine, an amino acid with highly dissimilar properties. This amino acid position is conserved. In addition, this alteration is predicted to be tolerated by in silico analysis. Based on the available evidence, the clinical significance of this variant remains unclear.